The following is an entry in ClinVar:

NM_033380.3(COL4A5):c.619G>T (p.Gly207Cys)

Gene: COL4A5 (collagen type IV alpha 5 chain; plus strand). Cytogenetic location: Xq22.3.
Variant type: single nucleotide variant.
Coding change: c.619G>T on transcript NM_033380.3 (MANE Select); coding-DNA position 619, G replaced by T.
Protein change: p.Gly207Cys; replaces glycine 207 with cysteine.
Molecular consequence: missense variant.
Genome position (GRCh38, 1-based): chrX:108,577,961, G>T. VCF-style: chrX-108577961-G-T. GRCh37 (hg19) VCF-style: chrX-107821191-G-T.
Other names: p.Gly207Cys; c.619G>T, p.Gly207Cys (NM_000495.5); short protein forms G207C.
Identifiers: ClinVar variation 4542494 (VCV004542494.1).

ClinVar aggregate classification (germline): Pathogenic (1 of 4 stars; one submission).

Submission:

Mayo Clinic Laboratories, Mayo Clinic
Classification: Pathogenic. Last evaluated: 2025-11-09. Review status: criteria provided, single submitter. Criteria: ACMG Guidelines, 2015. Collection method: clinical testing. Allele origin: germline. Observed: 1 variant allele.
Comment: PP3_strong, PP4, PM1_strong, PM2_supporting